The following is an entry in ClinVar:

NM_016148.5(SHANK1):c.1660G>C (p.Val554Leu)

Gene: SHANK1 (SH3 and multiple ankyrin repeat domains 1; minus strand). Cytogenetic location: 19q13.33.
Variant type: single nucleotide variant.
Coding change: c.1660G>C on transcript NM_016148.5 (MANE Select); coding-DNA position 1660, G replaced by C.
Protein change: p.Val554Leu; replaces valine 554 with leucine.
Molecular consequence: missense variant.
Genome position (GRCh38, 1-based): chr19:50,702,554, C>G on the plus strand (G>C on the coding strand, the complement: SHANK1 is on the minus strand). VCF-style: chr19-50702554-C-G. GRCh37 (hg19) VCF-style: chr19-51205811-C-G.
Other names: short protein forms V554L.
Identifiers: ClinVar variation 5003081 (VCV005003081.1).
Genomic context (GRCh38, chr19:50,702,554, plus strand): 5'-AGATCTCCCCCTCGGCTTGGGCCTGGTAGGACTTCACAGCCATGAAGGAGCGTCCGGGTA[C>G]CGCTGAGTAGAGCTTCCTCCGCCTCCCGCGGCTGCCCAGGGAGCCCCCGGGGCCCCCTGA-3'
Protein context (NP_057232.2, residues 544-564): RGRRRKLYSA[Val554Leu]PGRSFMAVKS

ClinVar aggregate classification (germline): Uncertain significance (1 of 4 stars; one submission).

Submission:

OLLIN Analises Genomicas, OLLIN
Classification: Uncertain significance. Last evaluated: 2026-08-06. Review status: criteria provided, single submitter. Criteria: ACMG Guidelines 2015 PMID 25741868. Collection method: clinical testing. Allele origin: germline.
Comment: This missense variant, located in exon 12 (of 24), has been observed in gnomAD with an allele frequency of 0.00012%, but has not been reported in ClinVar or identified in the literature. In silico analysis predicts that this variant has a tolerated effect. According to the currently available evidence, this variant has been classified as uncertain significance (BP4).